The following is an entry in ClinVar:

NM_001369.3(DNAH5):c.141T>A (p.Cys47Ter)

Gene: DNAH5 (dynein axonemal heavy chain 5; minus strand). Cytogenetic location: 5p15.2.
Variant type: single nucleotide variant.
Coding change: c.141T>A on transcript NM_001369.3 (MANE Select); coding-DNA position 141, T replaced by A.
Protein change: p.Cys47Ter; replaces cysteine 47 with a stop codon.
Molecular consequence: nonsense.
Genome position (GRCh38, 1-based): chr5:13,931,161, A>T on the plus strand (T>A on the coding strand, the complement: DNAH5 is on the minus strand). VCF-style: chr5-13931161-A-T. GRCh37 (hg19) VCF-style: chr5-13931270-A-T.
Other names: short protein forms C47*.
Identifiers: ClinVar variation 1725675 (VCV001725675.2), dbSNP rs2547182728, ClinGen allele CA359230001.

ClinVar aggregate classification (germline): Likely pathogenic (1 of 4 stars; one submission).

Conditions:
Primary ciliary dyskinesia 3. Identifiers: Orphanet 244, MedGen C1837618, MONDO:0012085, OMIM 608644.

Submission:

Myriad Genetics, Inc.
Classification: Likely pathogenic for Primary ciliary dyskinesia 3. Last evaluated: 2022-03-31. Review status: criteria provided, single submitter. Criteria: Myriad Women's Health Autosomal Recessive and X-Linked Classification Criteria (2021). Collection method: clinical testing. Allele origin: unknown.
Comment: NM_001369.2(DNAH5):c.141T>A(C47*) is expected to be pathogenic in the context of DNAH5-related primary ciliary dyskinesia. This variant is predicted to lead to an abnormal or absent protein product due to the creation of a premature termination codon in DNAH5, a gene where loss-of-function variants are known to be pathogenic. Please note: this variant was assessed in the context of healthy population screening.